The following is an entry in ClinVar:

NM_000179.3(MSH6):c.3557-2A>T

Gene: MSH6 (mutS homolog 6; plus strand). Cytogenetic location: 2p16.3.
Variant type: single nucleotide variant.
Coding change: c.3557-2A>T on transcript NM_000179.3 (MANE Select); the canonical splice acceptor site of the intron before coding-DNA position 3557, A replaced by T.
Molecular consequence: splice acceptor variant.
Genome position (GRCh38, 1-based): chr2:47,805,616, A>T. VCF-style: chr2-47805616-A-T. GRCh37 (hg19) VCF-style: chr2-48032755-A-T.
Other names: c.3557-2A>T (NM_001406809.1, NM_001406796.1, NM_001406808.1 and 1 more transcripts); c.2651-2A>T (NM_001406811.1, NM_001406814.1, NM_001281493.2 and 6 more transcripts); c.3260-2A>T (NM_001406805.1, NM_001406797.1, NM_001406801.1 and 10 more transcripts); c.3653-2A>T (NM_001406795.1, NM_001406802.1); c.3563-2A>T (NM_001406813.1); c.3032-2A>T (NM_001406807.1, NM_001406799.1, NM_001406806.1); c.3383-2A>T (NM_001406798.1); c.2693-2A>T (NM_001406803.1); and 7 more.
Identifiers: ClinVar variation 579746 (VCV000579746.7), dbSNP rs1558390582, ClinGen allele CA346760392.

ClinVar aggregate classification (germline): Likely pathogenic (1 of 4 stars; one submission).

Conditions:
Hereditary nonpolyposis colorectal neoplasms. Identifiers: MedGen C0009405, MeSH D003123.

Submission:

Labcorp Genetics (formerly Invitae), Labcorp
Classification: Likely pathogenic for Hereditary nonpolyposis colorectal neoplasms. Last evaluated: 2024-08-27. Review status: criteria provided, single submitter. Criteria: Invitae Variant Classification Sherloc (09022015). Collection method: clinical testing. Allele origin: germline.
Comment: This sequence change affects an acceptor splice site in intron 6 of the MSH6 gene. It is expected to disrupt RNA splicing. Variants that disrupt the donor or acceptor splice site typically lead to a loss of protein function (PMID: 16199547), and loss-of-function variants in MSH6 are known to be pathogenic (PMID: 18269114, 24362816). This variant is not present in population databases (gnomAD no frequency). Disruption of this splice site has been observed in individual(s) with clinical features of Lynch syndrome (PMID: 21590452, 32587781; internal data). ClinVar contains an entry for this variant (Variation ID: 579746). Algorithms developed to predict the effect of sequence changes on RNA splicing suggest that this variant may disrupt the consensus splice site. In summary, the currently available evidence indicates that the variant is pathogenic, but additional data are needed to prove that conclusively. Therefore, this variant has been classified as Likely Pathogenic.

Literature cited by the submitters: PubMed 16199547; PubMed 18269114; PubMed 24362816; PubMed 21590452; PubMed 32587781.